The following is an entry in ClinVar:

NM_022437.3(ABCG8):c.919A>G (p.Ile307Val)

Gene: ABCG8 (ATP binding cassette subfamily G member 8; plus strand). Cytogenetic location: 2p21.
Variant type: single nucleotide variant.
Coding change: c.919A>G on transcript NM_022437.3 (MANE Select); coding-DNA position 919, A replaced by G.
Protein change: p.Ile307Val; replaces isoleucine 307 with valine.
Molecular consequence: missense variant.
Genome position (GRCh38, 1-based): chr2:43,852,823, A>G. VCF-style: chr2-43852823-A-G. GRCh37 (hg19) VCF-style: chr2-44079962-A-G.
Other names: c.919A>G, p.Ile307Val (NM_001357321.2); short protein forms I307V.
Identifiers: ClinVar variation 2565409 (VCV002565409.2), dbSNP rs1362010373, ClinGen allele CA346666943.

ClinVar aggregate classification (germline): Uncertain significance (1 of 4 stars; one submission).

Conditions:
Cardiovascular phenotype. Identifiers: MedGen CN230736.

gnomAD v4.1: 3 of 1,614,118 alleles (0.00019%); highest among the groups gnomAD compares: Admixed American, 0.0033%; no homozygotes.

Submission:

Ambry Genetics
Classification: Uncertain significance for Cardiovascular phenotype. Last evaluated: 2023-04-13. Review status: criteria provided, single submitter. Criteria: Ambry Variant Classification Scheme 2023. Collection method: clinical testing. Allele origin: germline.
Comment: The p.I307V variant (also known as c.919A>G), located in coding exon 6 of the ABCG8 gene, results from an A to G substitution at nucleotide position 919. The isoleucine at codon 307 is replaced by valine, an amino acid with highly similar properties. This amino acid position is conserved. In addition, this alteration is predicted to be tolerated by in silico analysis. Since supporting evidence is limited at this time, the clinical significance of this alteration remains unclear.